The following is an entry in ClinVar:

ClinVar aggregate classification (germline): Pathogenic/Likely pathogenic. Review status: criteria provided, multiple submitters, no conflicts (2 of 4 stars). 6 submissions from 6 submitters: Pathogenic (1); Likely pathogenic (4). 1 of the submissions does not count toward it. Last evaluated 2026-05-13.

Conditions:
Autosomal recessive polycystic kidney disease (ARPKD). Also called: AR polycystic kidney disease. Identifiers: Orphanet 731, Orphanet 8378, MedGen C0085548, MeSH D017044, MONDO:0009889.
Polycystic kidney disease 4 (PKD4). Also called: POLYCYSTIC KIDNEY DISEASE 4 WITH OR WITHOUT POLYCYSTIC LIVER DISEASE; Autosomal Recessive Polycystic Kidney Disease – PKHD1; POLYCYSTIC KIDNEY AND HEPATIC DISEASE 1; POLYCYSTIC KIDNEY DISEASE, INFANTILE, TYPE I; PKD3. Identifiers: MedGen C4540575, MONDO:0033004, OMIM 263200.

Allele frequency attached by ClinVar (database versions not stated): ExAC 0.00001.
gnomAD v4.1: 12 of 1,614,164 alleles (0.00074%); highest among the groups gnomAD compares: South Asian, 0.0022%; no homozygotes.

Submissions (6):

Victorian Clinical Genetics Services, Murdoch Childrens Research Institute
Classification: Pathogenic for Polycystic kidney disease 4. Last evaluated: 2026-05-13. Review status: criteria provided, single submitter. Criteria: ACMG Guidelines, 2015. Collection method: clinical testing. Allele origin: germline. Affected: yes.
Comment: This variant is classified as Pathogenic. Evidence in support of pathogenic classification: Variant is present in gnomAD <0.01 for a recessive condition (v4: 12 heterozygote(s), 0 homozygote(s)); This variant has strong previous evidence of pathogenicity in unrelated individuals. This variant has been classified as likely pathogenic by clinical laboratories in ClinVar, and has been observed as a single heterozygous variant in two individuals with polycystic kidney disease (PMID: 15698423); Other missense variants comparable to the one identified in this case have strong previous evidence for pathogenicity. The variant p.(Gly466Glu) has been classified as pathogenic or likely pathogenic by multiple clinical laboratories in ClinVar, and p.(Gly466Arg) has been observed as likely compound heterozygous in two individuals with polycystic kidney disease (PMIDs: 34536170, 29520754); Missense variant consistently predicted to be damaging by multiple in silico tools or highly conserved with a major amino acid change. Additional information: Variant is predicted to result in a missense amino acid change from glycine to alanine; This variant is heterozygous; This gene is associated with autosomal recessive disease; however, there are emerging reports of heterozygous carriers of PKHD1 variants developing liver cysts and nephrocalcinosis (PMID: 21945273); Alternative amino acid change(s) at the same position are present in gnomAD (highest allele count: v4: 10 heterozygote(s), 0 homozygote(s)); No published segregation evidence has been identified for this variant; No published functional evidence has been identified for this variant; Variant is not located in an established domain, motif, hotspot or informative constraint region; Loss of function is a known mechanism of disease in this gene and is associated with polycystic kidney disease 4, with or without hepatic disease (MIM#263200); Variants in this gene are known to have variable expressivity. Significant intrafamilial variability has been reported (PMID: 20301501); Heterozygous variant detected in trans with a second PATHOGENIC heterozygous variant (NC_000006.12:g.51590393_51620383del) in a recessive disease; Inheritance information for this variant is not currently available in this individual.

Fulgent Genetics
Classification: Likely pathogenic for Polycystic kidney disease 4. Last evaluated: 2024-05-25. Review status: criteria provided, single submitter. Criteria: ACMG Guidelines, 2015. Collection method: clinical testing. Allele origin: germline.

Labcorp Genetics (formerly Invitae), Labcorp
Classification: Likely pathogenic for Autosomal recessive polycystic kidney disease. Last evaluated: 2023-08-20. Review status: criteria provided, single submitter. Criteria: Invitae Variant Classification Sherloc (09022015). Collection method: clinical testing. Allele origin: germline.
Comment: This sequence change replaces glycine, which is neutral and non-polar, with alanine, which is neutral and non-polar, at codon 466 of the PKHD1 protein (p.Gly466Ala). This variant is present in population databases (rs750730042, gnomAD 0.006%). This missense change has been observed in individual(s) with polycystic kidney disease (PMID: 15698423). ClinVar contains an entry for this variant (Variation ID: 551441). Advanced modeling of protein sequence and biophysical properties (such as structural, functional, and spatial information, amino acid conservation, physicochemical variation, residue mobility, and thermodynamic stability) performed at Invitae indicates that this missense variant is expected to disrupt PKHD1 protein function. This variant disrupts the p.Gly466 amino acid residue in PKHD1. Other variant(s) that disrupt this residue have been determined to be pathogenic (PMID: 20413436, 27225849, 27752906). This suggests that this residue is clinically significant, and that variants that disrupt this residue are likely to be disease-causing. In summary, the currently available evidence indicates that the variant is pathogenic, but additional data are needed to prove that conclusively. Therefore, this variant has been classified as Likely Pathogenic.

Women's Health and Genetics/Laboratory Corporation of America, LabCorp
Classification: Likely pathogenic for Autosomal recessive polycystic kidney disease. Last evaluated: 2023-08-11. Review status: criteria provided, single submitter. Criteria: LabCorp Variant Classification Summary - May 2015. Collection method: clinical testing. Allele origin: germline.
Comment: Variant summary: PKHD1 c.1397G>C (p.Gly466Ala) results in a non-conservative amino acid change located in the PA14/GLEYA domain (IPR037524) of the encoded protein sequence. Four of five in-silico tools predict a damaging effect of the variant on protein function. The variant allele was found at a frequency of 8e-06 in 251256 control chromosomes (gnomAD). c.1397G>C has been reported in the literature in heterozygous state (i.e. without identifying a variant in trans) in 3 patients, from two families, where one of them was affected with predominant liver phenotype (Bergmann_2005). These data indicate that the variant may be associated with disease. To our knowledge, no experimental evidence demonstrating an impact on protein function has been reported. However, other missense changes affecting the same residue (G466E/R) have been reported in affected individuals (HGMD), and one of them (G466E) is classified as pathogenic by multiple reputable laboratories in ClinVar. The following publication has been ascertained in the context of this evaluation (PMID: 15698423). Two submitters have cited clinical-significance assessments for this variant to ClinVar after 2014. One submitter classified the variant as likely pathogenic, and one submitter classified the variant as uncertain significance. Based on the evidence outlined above, the variant was classified as likely pathogenic.

Baylor Genetics
Classification: Likely pathogenic for Polycystic kidney disease 4. Review status: criteria provided, single submitter. Criteria: ACMG Guidelines, 2015. Collection method: clinical testing. Allele origin: germline.

Counsyl
Classification: Uncertain significance for Polycystic kidney disease 4. Last evaluated: 2017-04-10. Review status: no assertion criteria provided. Collection method: clinical testing. Allele origin: unknown. Not counted in ClinVar's aggregate classification.

Literature cited by the submitters: PubMed 21945273 (cited by Victorian Clinical Genetics Services, Murdoch Childrens Research Institute); PubMed 15698423 (cited by 4 submitters); PubMed 20301501 (cited by Victorian Clinical Genetics Services, Murdoch Childrens Research Institute); PubMed 29520754 (cited by Victorian Clinical Genetics Services, Murdoch Childrens Research Institute); PubMed 34536170 (cited by Victorian Clinical Genetics Services, Murdoch Childrens Research Institute); PubMed 20413436 (cited by Labcorp Genetics (formerly Invitae), Labcorp); PubMed 27225849 (cited by Labcorp Genetics (formerly Invitae), Labcorp); PubMed 27752906 (cited by Labcorp Genetics (formerly Invitae), Labcorp); PubMed 24984783 (cited by Counsyl).

NM_138694.4(PKHD1):c.1397G>C (p.Gly466Ala)

Gene: PKHD1 (PKHD1 ciliary IPT domain containing fibrocystin/polyductin; minus strand). Cytogenetic location: 6p12.2.
Variant type: single nucleotide variant.
Coding change: c.1397G>C on transcript NM_138694.4 (MANE Select); coding-DNA position 1397, G replaced by C.
Protein change: p.Gly466Ala; replaces glycine 466 with alanine.
Molecular consequence: missense variant.
Genome position (GRCh38, 1-based): chr6:52,058,438, C>G on the plus strand (G>C on the coding strand, the complement: PKHD1 is on the minus strand). VCF-style: chr6-52058438-C-G. GRCh37 (hg19) VCF-style: chr6-51923236-C-G.
Other names: c.1397G>C (NM_170724.2); c.1397G>C, p.Gly466Ala (NM_170724.3); short protein forms G466A.
Identifiers: ClinVar variation 551441 (VCV000551441.15), dbSNP rs750730042, ClinGen allele CA3853568.